The following is an entry in ClinVar:

ClinVar aggregate classification (germline): Uncertain significance. Review status: criteria provided, multiple submitters, no conflicts (2 of 4 stars). 2 submissions from 2 submitters: Uncertain significance (2). Last evaluated 2022-06-03.

Conditions:
Inborn genetic diseases. Identifiers: MedGen C0950123, MeSH D030342.
Fanconi anemia (FA). Also called: Fanconi's anemia. Identifiers: Orphanet 84, MedGen C0015625, MeSH D005199, MONDO:0019391.

Allele frequency attached by ClinVar (database versions not stated): gnomAD exomes below 0.00001.
gnomAD v4.1: 1 of 1,614,048 alleles (0.000062%); highest among the groups gnomAD compares: South Asian, 0.0011%; no homozygotes.

Submissions (2):

Ambry Genetics
Classification: Uncertain significance for Inborn genetic diseases. Last evaluated: 2022-06-03. Review status: criteria provided, single submitter. Criteria: Ambry Variant Classification Scheme 2023. Collection method: clinical testing. Allele origin: germline.

Sema4
Classification: Uncertain significance for Fanconi anemia. Last evaluated: 2021-08-24. Review status: criteria provided, single submitter. Criteria: Sema4 Curation Guidelines. Collection method: curation. Allele origin: germline.
Comment: The FANCL c.637G>C (p.V213L) variant has not been reported in literature to our knowledge. This variant not observed in the large and broad cohorts of the Genome Aggregation Database (PMID: 32461654). This variant has not been reported in ClinVar. Functional studies have not been performed, and in silico predictions of the variant's effect on protein function are inconclusive. The overall evidence is insufficient to meet ACMG/AMP criteria for classifying it as benign or pathogenic. In summary, the clinical significance of this variant is currently uncertain.

NM_018062.4(FANCL):c.637G>C (p.Val213Leu)

Gene: FANCL (FA complementation group L; minus strand). Cytogenetic location: 2p16.1.
Variant type: single nucleotide variant.
Coding change: c.637G>C on transcript NM_018062.4 (MANE Select); coding-DNA position 637, G replaced by C.
Protein change: p.Val213Leu; replaces valine 213 with leucine.
Molecular consequence: missense variant.
Genome position (GRCh38, 1-based): chr2:58,165,778, C>G on the plus strand (G>C on the coding strand, the complement: FANCL is on the minus strand). VCF-style: chr2-58165778-C-G. GRCh37 (hg19) VCF-style: chr2-58392913-C-G.
Other names: c.652G>C, p.Val218Leu (NM_001114636.2); c.682G>C, p.Val228Leu (NM_001374615.1); c.697G>C, p.Val233Leu (NM_001410792.1); short protein forms V213L, V218L, V228L, V233L.
Identifiers: ClinVar variation 1691890 (VCV001691890.4), dbSNP rs2104817334, ClinGen allele CA346937014.
Genomic context (GRCh38, chr2:58,165,778, plus strand): 5'-CCCTACCTAATGCAATTCTGCGTGCTGTTGCACTCCGTGGAGGTTTTTCTGGCTCAAGTA[C>G]CCAGGTCTTCTCATCGATTTCATCCATAACATCCCAGAATGCCTTTAGTGATTCTATTGC-3'
Protein context (NP_060532.2, residues 203-223): VMDEIDEKTW[Val213Leu]LEPEKPPRSA